The following is an entry in ClinVar:

NM_000138.5(FBN1):c.2094G>T (p.Pro698=)

Gene: FBN1 (fibrillin 1; minus strand). Cytogenetic location: 15q21.1.
Variant type: single nucleotide variant.
Coding change: c.2094G>T on transcript NM_000138.5 (MANE Select); coding-DNA position 2094, G replaced by T.
Protein change: p.Pro698=; no amino-acid change (proline 698 retained).
Molecular consequence: synonymous variant.
Genome position (GRCh38, 1-based): chr15:48,503,806, C>A on the plus strand (G>T on the coding strand, the complement: FBN1 is on the minus strand). VCF-style: chr15-48503806-C-A. GRCh37 (hg19) VCF-style: chr15-48796003-C-A.
Identifiers: ClinVar variation 264529 (VCV000264529.60), dbSNP rs144775475, ClinGen allele CA046748.
Genomic context (GRCh38, chr15:48,503,806, plus strand): 5'-GAAGGCTGGCAGTACGAGGGCATCTCCATGATACCACATACCTGAATTCTGTGCAGGACA[C>A]GGCTGGCAAGGTTCCCCAAATGCATACTCAGTGCTGGCGCAACAGCATTCAGATTTAGTG-3'
Protein context (NP_000129.3, residues 688-708): TEYAFGEPCQ[Pro698=]CPAQNSAEYQ

ClinVar aggregate classification (germline): Conflicting classifications of pathogenicity. Review status: criteria provided, conflicting classifications (1 of 4 stars). 17 submissions from 11 submitters: Uncertain significance (1); Benign (7); Likely benign (8). 1 of the submissions does not count toward it. Last evaluated 2026-06-01.

Conditions:
Geleophysic dysplasia. Identifiers: Orphanet 2623, MedGen C3489726, MONDO:0000127.
Weill-Marchesani syndrome. Also called: WM Syndrome; Mesodermal dysmorphodystrophy congenital. Identifiers: Orphanet 3449, MedGen C0265313, MONDO:0018096.
Familial thoracic aortic aneurysm and aortic dissection (TAAD). Also called: Thoracic aortic aneurysms and dissections. Identifiers: Orphanet 91387, MedGen C4707243, MONDO:0019625.
Marfan syndrome (MFS). Also called: Marfan syndrome, classic; MARFAN SYNDROME, TYPE I; FBN1-Related Marfan Syndrome; Marfan syndrome type 1; Marfan's syndrome. Identifiers: Orphanet 284963, Orphanet 558, MedGen C0024796, MONDO:0007947, OMIM 154700.
Acromicric dysplasia (ACMICD). Also called: Acromicric skeletal dysplasia. Identifiers: Orphanet 969, MedGen C0265287, MONDO:0007055, OMIM 102370.
Stiff skin syndrome (SSKS). Identifiers: Orphanet 2833, MedGen C1861456, MONDO:0008492, OMIM 184900.
Ectopia lentis 1, isolated, autosomal dominant (ECTOL1). Identifiers: Orphanet 1885, MedGen C3541518, MONDO:0007514, OMIM 129600.
FBN1-related disorder. Also called: FBN1-related disorders.

Allele frequency attached by ClinVar (database versions not stated): TOPMed 0.00005; gnomAD 0.00010; ESP Exome Variant Server 0.00015.
gnomAD v4.1: 185 of 1,613,846 alleles (0.011%); highest among the groups gnomAD compares: Admixed American, 0.013%; no homozygotes.

Submissions (17):

CeGaT Center for Human Genetics Tuebingen
Classification: Likely benign. Last evaluated: 2026-06-01. Review status: criteria provided, single submitter. Criteria: CeGaT Center For Human Genetics Tuebingen Variant Classification Criteria Version 2. Collection method: clinical testing. Allele origin: germline. Affected: yes. Observed: 10 variant alleles.
Comment: FBN1: BP4, BP7

Labcorp Genetics (formerly Invitae), Labcorp
Classification: Likely benign for Marfan syndrome; Familial thoracic aortic aneurysm and aortic dissection. Last evaluated: 2026-01-19. Review status: criteria provided, single submitter. Criteria: Invitae Variant Classification Sherloc (09022015). Collection method: clinical testing. Allele origin: germline.

Blueprint Genetics
Classification: Likely benign. Last evaluated: 2024-03-19. Review status: criteria provided, single submitter. Criteria: ACMG Guidelines, 2015. Collection method: clinical testing. Allele origin: germline.

All of Us Research Program, National Institutes of Health
Classification: Benign for Marfan syndrome. Last evaluated: 2024-02-05. Review status: criteria provided, single submitter. Criteria: ACMG Guidelines, 2015. Collection method: clinical testing. Allele origin: germline. Inheritance: Autosomal dominant inheritance. Observed: 55 variant alleles, 55 heterozygotes.
Comment: This study involves interpretation of variants in research participants for the purpose of population health screening. Participant phenotype was not available at the time of variant classification. Additional details can be found in publication PMID: 35346344, PMCID: PMC8962531

Women's Health and Genetics/Laboratory Corporation of America, LabCorp
Classification: Benign. Last evaluated: 2023-08-10. Review status: criteria provided, single submitter. Criteria: LabCorp Variant Classification Summary - May 2015. Collection method: clinical testing. Allele origin: germline.

ARUP Laboratories, Molecular Genetics and Genomics, ARUP Laboratories
Classification: Likely benign. Last evaluated: 2023-01-05. Review status: criteria provided, single submitter. Criteria: ARUP Molecular Germline Variant Investigation Process 2024. Collection method: clinical testing. Allele origin: germline.

GeneDx
Classification: Likely benign. Last evaluated: 2020-09-02. Review status: criteria provided, single submitter. Criteria: GeneDx Variant Classification Process June 2021. Collection method: clinical testing. Allele origin: germline. Affected: yes.

Color Diagnostics, LLC DBA Color Health
Classification: Benign for Familial thoracic aortic aneurysm and aortic dissection. Last evaluated: 2018-07-20. Review status: criteria provided, single submitter. Criteria: ACMG Guidelines, 2015. Collection method: clinical testing. Allele origin: germline.

Illumina Laboratory Services, Illumina
Classification: Benign for Geleophysic dysplasia. Last evaluated: 2018-01-13. Review status: criteria provided, single submitter. Criteria: ICSL Variant Classification Criteria 13 December 2019. Collection method: clinical testing. Allele origin: germline.
Comment: This variant was observed in the ICSL laboratory as part of a predisposition screen in an ostensibly healthy population. It had not been previously curated by ICSL or reported in the Human Gene Mutation Database (HGMD: prior to June 1st, 2018), and was therefore a candidate for classification through an automated scoring system. Utilizing variant allele frequency, disease prevalence and penetrance estimates, and inheritance mode, an automated score was calculated to assess if this variant is too frequent to cause the disease. Based on the score and internal cut-off values, a variant classified as benign is not then subjected to further curation. The score for this variant resulted in a classification of benign for this disease.

Illumina Laboratory Services, Illumina
Classification: Benign for Ectopia lentis 1, isolated, autosomal dominant. Last evaluated: 2018-01-13. Review status: criteria provided, single submitter. Criteria: ICSL Variant Classification Criteria 13 December 2019. Collection method: clinical testing. Allele origin: germline.
Comment: the same text as in the submission from Illumina Laboratory Services, Illumina above.

Illumina Laboratory Services, Illumina
Classification: Likely benign for Marfan syndrome. Last evaluated: 2018-01-13. Review status: criteria provided, single submitter. Criteria: ICSL Variant Classification Criteria 13 December 2019. Collection method: clinical testing. Allele origin: germline.
Comment: This variant was observed in the ICSL laboratory as part of a predisposition screen in an ostensibly healthy population. It had not been previously curated by ICSL or reported in the Human Gene Mutation Database (HGMD: prior to June 1st, 2018), and was therefore a candidate for classification through an automated scoring system. Utilizing variant allele frequency, disease prevalence and penetrance estimates, and inheritance mode, an automated score was calculated to assess if this variant is too frequent to cause the disease. Based on the score and internal cut-off values, a variant classified as likely benign is not then subjected to further curation. The score for this variant resulted in a classification of likely benign for this disease.

Illumina Laboratory Services, Illumina
Classification: Uncertain significance for Familial thoracic aortic aneurysm and aortic dissection. Last evaluated: 2018-01-13. Review status: criteria provided, single submitter. Criteria: ICSL Variant Classification Criteria 13 December 2019. Collection method: clinical testing. Allele origin: germline.

Illumina Laboratory Services, Illumina
Classification: Likely benign for Weill-Marchesani syndrome. Last evaluated: 2018-01-13. Review status: criteria provided, single submitter. Criteria: ICSL Variant Classification Criteria 13 December 2019. Collection method: clinical testing. Allele origin: germline.
Comment: the same text as in the submission from Illumina Laboratory Services, Illumina above.

Illumina Laboratory Services, Illumina
Classification: Benign for Stiff skin syndrome. Last evaluated: 2018-01-13. Review status: criteria provided, single submitter. Criteria: ICSL Variant Classification Criteria 13 December 2019. Collection method: clinical testing. Allele origin: germline.
Comment: the same text as in the submission from Illumina Laboratory Services, Illumina above.

Illumina Laboratory Services, Illumina
Classification: Benign for Acromicric dysplasia. Last evaluated: 2018-01-13. Review status: criteria provided, single submitter. Criteria: ICSL Variant Classification Criteria 13 December 2019. Collection method: clinical testing. Allele origin: germline.
Comment: the same text as in the submission from Illumina Laboratory Services, Illumina above.

Ambry Genetics
Classification: Likely benign for Familial thoracic aortic aneurysm and aortic dissection. Last evaluated: 2015-11-27. Review status: criteria provided, single submitter. Criteria: Ambry Variant Classification Scheme 2023. Collection method: clinical testing. Allele origin: germline.

PreventionGenetics, part of Exact Sciences
Classification: Likely benign for FBN1-related condition. Last evaluated: 2021-04-05. Review status: no assertion criteria provided. Collection method: clinical testing. Allele origin: germline. Not counted in ClinVar's aggregate classification.
Comment: This variant is classified as likely benign based on ACMG/AMP sequence variant interpretation guidelines (Richards et al. 2015 PMID: 25741868, with internal and published modifications).